The following is an entry in ClinVar:

ClinVar aggregate classification (germline): Pathogenic (1 of 4 stars; one submission).

Conditions:
Glycogen storage disease due to muscle and heart glycogen synthase deficiency. Also called: GSD 0b; MUSCLE GLYCOGEN SYNTHASE DEFICIENCY. Identifiers: Orphanet 137625, MedGen C1969054, MONDO:0012693, OMIM 611556.

Allele frequency attached by ClinVar (database versions not stated): gnomAD exomes below 0.00001.

Submission:

Labcorp Genetics (formerly Invitae), Labcorp
Classification: Pathogenic for Glycogen storage disease due to muscle and heart glycogen synthase deficiency. Last evaluated: 2017-07-15. Review status: criteria provided, single submitter. Criteria: Invitae Variant Classification Sherloc (09022015). Collection method: clinical testing. Allele origin: germline.
Comment: This variant has not been reported in the literature in individuals with GYS1-related disease. For these reasons, this variant has been classified as Pathogenic. Loss-of-function variants in GYS1 are known to be pathogenic (PMID: 17928598, 19699667). This variant is not present in population databases (ExAC no frequency). This sequence change creates a premature translational stop signal (p.Arg402Glyfs*15) in the GYS1 gene. It is expected to result in an absent or disrupted protein product.

Literature cited by the submitters: PubMed 17928598; PubMed 19699667.

NM_002103.5(GYS1):c.1204del (p.Arg402fs)

Gene: GYS1 (glycogen synthase 1; minus strand). Cytogenetic location: 19q13.33.
Variant type: Deletion.
Coding change: c.1204del on transcript NM_002103.5 (MANE Select); coding-DNA position 1204, one base deleted (A; older notation c.1204delA).
Protein change: p.Arg402fs; shifts the reading frame from arginine 402.
Molecular consequence: frameshift variant. On other transcripts: non-coding transcript variant (1).
Genome position (GRCh38, 1-based): chr19:48,978,123, T deleted on the plus strand (A on the coding strand, the reverse complement: GYS1 is on the minus strand). VCF-style (leftmost placement, unchanged base first): chr19-48978122-CT-C. GRCh37 (hg19) VCF-style: chr19-49481379-CT-C.
Other names: c.1012del, p.Arg338fs (NM_001161587.2); short protein forms R402fs, R338fs.
Identifiers: ClinVar variation 567037 (VCV000567037.6), dbSNP rs1568619900, ClinGen allele CA891844301.